The following is an entry in ClinVar:

ClinVar aggregate classification (germline): Uncertain significance (1 of 4 stars; one submission).

gnomAD v4.1: 1 of 1,552,978 alleles (0.000064%); highest among the groups gnomAD compares: Middle Eastern, 0.017%; no homozygotes.

Submission:

Mayo Clinic Laboratories, Mayo Clinic
Classification: Uncertain significance. Last evaluated: 2022-08-30. Review status: criteria provided, single submitter. Criteria: ACMG Guidelines, 2015. Collection method: clinical testing. Allele origin: germline. Observed: 1 variant allele.
Comment: BP4, PM2

NM_007254.4(PNKP):c.816G>T (p.Gln272His)

Gene: PNKP (polynucleotide kinase 3'-phosphatase; minus strand). Cytogenetic location: 19q13.33.
Variant type: single nucleotide variant.
Coding change: c.816G>T on transcript NM_007254.4 (MANE Select); coding-DNA position 816, G replaced by T.
Protein change: p.Gln272His; replaces glutamine 272 with histidine.
Molecular consequence: missense variant.
Genome position (GRCh38, 1-based): chr19:49,863,689, C>A on the plus strand (G>T on the coding strand, the complement: PNKP is on the minus strand). VCF-style: chr19-49863689-C-A. GRCh37 (hg19) VCF-style: chr19-50366946-C-A.
Other names: p.Gln272His; short protein forms Q272H.
Identifiers: ClinVar variation 2683510 (VCV002683510.1), dbSNP rs534099292, ClinGen allele CA406883520.